The following is an entry in ClinVar:

ClinVar aggregate classification (germline): Uncertain significance. Review status: criteria provided, multiple submitters, no conflicts (2 of 4 stars). 2 submissions from 2 submitters: Uncertain significance (2). Last evaluated 2024-10-29.

Conditions:
Inborn genetic diseases. Identifiers: MedGen C0950123, MeSH D030342.

Allele frequency attached by ClinVar (database versions not stated): gnomAD exomes below 0.00001; ExAC 0.00001; gnomAD 0.00001.

Submissions (2):

Ambry Genetics
Classification: Uncertain significance for Inborn genetic diseases. Last evaluated: 2024-10-29. Review status: criteria provided, single submitter. Criteria: Ambry Variant Classification Scheme 2023. Collection method: clinical testing. Allele origin: germline.

Laboratorio de Genetica e Diagnostico Molecular, Hospital Israelita Albert Einstein
Classification: Uncertain significance. Last evaluated: 2021-10-14. Review status: criteria provided, single submitter. Criteria: ACMG Guidelines, 2015. Collection method: clinical testing. Allele origin: germline. Affected: yes.
Comment: ACMG classification criteria: PP3

NM_207506.3(SAMD12):c.365T>A (p.Met122Lys)

Gene: SAMD12 (sterile alpha motif domain containing 12; minus strand). Cytogenetic location: 8q24.12.
Variant type: single nucleotide variant.
Coding change: c.365T>A on transcript NM_207506.3 (MANE Select); coding-DNA position 365, T replaced by A.
Protein change: p.Met122Lys; replaces methionine 122 with lysine.
Molecular consequence: missense variant. On other transcripts: non-coding transcript variant (2).
Genome position (GRCh38, 1-based): chr8:118,379,658, A>T on the plus strand (T>A on the coding strand, the complement: SAMD12 is on the minus strand). VCF-style: chr8-118379658-A-T. GRCh37 (hg19) VCF-style: chr8-119391897-A-T.
Other names: c.365T>A, p.Met122Lys (NM_001101676.2, NM_001363274.2); c.335T>A, p.Met112Lys (NM_001349811.2); c.365T>A (NM_207506.2); short protein forms M112K, M122K.
Identifiers: ClinVar variation 1690471 (VCV001690471.3), dbSNP rs761158431, ClinGen allele CA4854561.